The following is an entry in ClinVar:

ClinVar aggregate classification (germline): Conflicting classifications of pathogenicity. Review status: criteria provided, conflicting classifications (1 of 4 stars). 18 submissions from 14 submitters: Uncertain significance (8); Benign (4); Likely benign (6). Last evaluated 2025-07-18.

Conditions:
TTN-related disorder. Also called: TTN-related condition; TTN-related disease; TTN-related disorders.
Autosomal recessive limb-girdle muscular dystrophy type 2J (LGMDR10). Also called: Limb-girdle muscular dystrophy, type 2J; MUSCULAR DYSTROPHY, LIMB-GIRDLE, AUTOSOMAL RECESSIVE 10. Identifiers: Orphanet 140922, MedGen C1837342, MONDO:0012127, OMIM 608807.
Dilated cardiomyopathy 1G (CMD1G). Identifiers: Orphanet 154, MedGen C1858763, MONDO:0011400, OMIM 604145.
Cardiomyopathy (CMYO). Also called: Cardiomyopathies. Identifiers: Orphanet 167848, MedGen C0878544, MONDO:0004994, HP:0001638. Inheritance: Various modes of inheritance.
Early-onset myopathy with fatal cardiomyopathy (CMYO5). Also called: Salih Myopathy; CONGENITAL MYOPATHY 5 WITH CARDIOMYOPATHY. Identifiers: Orphanet 289377, MedGen C2673677, MONDO:0012714, OMIM 611705. Disease mechanism: loss of function.
Myopathy, myofibrillar, 9, with early respiratory failure (MFM9). Also called: Hereditary myopathy with early respiratory failure; EDSTROM MYOPATHY; MYOPATHY, PROXIMAL, WITH EARLY RESPIRATORY MUSCLE INVOLVEMENT; Myopathy, distal, with early respiratory failure, autosomal dominant. Identifiers: Orphanet 178464, Orphanet 34521, MedGen C1863599, MONDO:0011362, OMIM 603689.
Tibial muscular dystrophy (TMD). Also called: Tibial muscular dystrophy, tardive; UDD MYOPATHY; Udd Distal Myopathy – Tibial Muscular Dystrophy. Identifiers: Orphanet 609, MedGen C1838244, MONDO:0010870, OMIM 600334.
Hypertrophic cardiomyopathy. Also called: HYPERTROPHIC MYOCARDIOPATHY. Identifiers: Orphanet 217569, MedGen C0007194, MeSH D002312, MONDO:0005045, HP:0001639.

Allele frequency attached by ClinVar (database versions not stated): gnomAD exomes 0.00028 and 0.00053; ExAC 0.00029; TOPMed 0.00032; gnomAD 0.00035 and 0.00039; ESP Exome Variant Server 0.00042.
gnomAD v4.1: 817 of 1,612,504 alleles (0.051%); highest among the groups gnomAD compares: Non-Finnish European, 0.065%; no homozygotes.

Submissions (18):

Athena Diagnostics
Classification: Uncertain significance. Last evaluated: 2025-07-18. Review status: criteria provided, single submitter. Criteria: Athena Diagnostics Criteria. Collection method: clinical testing. Allele origin: unknown.
Comment: Available data are insufficient to determine the clinical significance of the variant at this time. The frequency of this variant in the general population is higher than would generally be expected for pathogenic variants in this gene. Polyphen and MutationTaster yielded discordant predictions regarding whether this amino acid change is damaging to the protein.

Women's Health and Genetics/Laboratory Corporation of America, LabCorp
Classification: Likely benign. Last evaluated: 2025-03-28. Review status: criteria provided, single submitter. Criteria: LabCorp Variant Classification Summary - May 2015. Collection method: clinical testing. Allele origin: germline.
Comment: Variant summary: TTN c.13492C>T (p.Leu4498Phe) results in a non-conservative amino acid change located in the I-band region of the encoded protein sequence. Three of four in-silico tools predict a damaging effect of the variant on protein function. The variant allele was found at a frequency of 0.00051 in 1605522 control chromosomes, predominantly at a frequency of 0.00065 within the Non-Finnish European subpopulation in the gnomAD database (v4.1 dataset). The observed variant frequency within Non-Finnish European control individuals in the gnomAD database is approximately 1.7-fold of the estimated maximal expected allele frequency for a pathogenic variant in TTN causing Dilated Cardiomyopathy phenotype (0.00039), suggesting that the variant is a benign polymorphism. The variant, c.13492C>T, has been reported in the literature in individuals affected with Dilated Cardiomyopathy and Hypertrophic Cardiomyopathy (Lopes_2013, Franaszczyk_2017). These report(s) do not provide unequivocal conclusions about association of the variant with Dilated Cardiomyopathy. To our knowledge, no experimental evidence demonstrating an impact on protein function has been reported. The following publications have been ascertained in the context of this evaluation (PMID: 23396983, 28045975). ClinVar contains an entry for this variant (Variation ID: 46625). Based on the evidence outlined above, the variant was classified as likely benign.

PreventionGenetics, part of Exact Sciences
Classification: Benign for TTN-related condition. Last evaluated: 2025-03-12. Review status: criteria provided, single submitter. Criteria: ACMG Guidelines, 2015. Collection method: clinical testing. Allele origin: germline.
Comment: This variant is classified as benign based on ACMG/AMP sequence variant interpretation guidelines (Richards et al. 2015 PMID: 25741868, with internal and published modifications).

Mayo Clinic Laboratories, Mayo Clinic
Classification: Likely benign. Last evaluated: 2025-02-07. Review status: criteria provided, single submitter. Criteria: ACMG Guidelines, 2015. Collection method: clinical testing. Allele origin: germline. Observed: 3 variant alleles.
Comment: BS1

Blueprint Genetics
Classification: Likely benign. Last evaluated: 2024-11-01. Review status: criteria provided, single submitter. Criteria: ACMG Guidelines, 2015. Collection method: clinical testing. Allele origin: germline.

CHEO Genetics Diagnostic Laboratory, Children's Hospital of Eastern Ontario
Classification: Benign for Cardiomyopathy. Last evaluated: 2022-08-12. Review status: criteria provided, single submitter. Criteria: ACMG Guidelines, 2015. Collection method: clinical testing. Allele origin: germline.

Revvity Omics, Revvity
Classification: Uncertain significance. Last evaluated: 2021-10-27. Review status: criteria provided, single submitter. Criteria: ACMG Guidelines, 2015. Collection method: clinical testing. Allele origin: germline.

Laboratory for Molecular Medicine, Mass General Brigham Personalized Medicine
Classification: Likely benign. Last evaluated: 2021-04-14. Review status: criteria provided, single submitter. Criteria: ACMG Guidelines, 2015. Collection method: clinical testing. Allele origin: germline.
Comment: The p.Leu4498Phe variant in TTN is classified as likely benign because it has been identified in 0.06% (72/127238) of European chromosomes by gnomAD. It is also located in the I-band, in an exon that is not highly expressed in the heart. ACMG/AMP Criteria applied: BP1, BS1.

GeneDx
Classification: Likely benign. Last evaluated: 2020-12-18. Review status: criteria provided, single submitter. Criteria: GeneDx Variant Classification Process June 2021. Collection method: clinical testing. Allele origin: germline. Affected: yes.
Comment: This variant is associated with the following publications: (PMID: 28045975, 23396983)

ARUP Laboratories, Molecular Genetics and Genomics, ARUP Laboratories
Classification: Uncertain significance. Last evaluated: 2020-03-09. Review status: criteria provided, single submitter. Criteria: ARUP Molecular Germline Variant Investigation Process. Collection method: clinical testing. Allele origin: germline.
Comment: The TTN c.17224C>T; p.Leu5742Phe variant (rs72648943; ClinVar Variation ID: 46625) is reported in the literature in several individuals affected with HCM or DCM, though it was not demonstrated to cause disease (Franaszczyk 2017, Lopes 2013). This suggests these three variants may occur in cis, although parental testing would be required to confirm this. This variant is rare in the population (<1% allele frequency in the Genome Aggregation Database) and the clinical relevance of rare missense variants in this gene, which are identified on average once per individual sequenced in affected populations (Herman 2012), is not well understood. Yet, evidence suggests that the vast majority of such missense variants do not contribute to the clinical outcome of DCM (Begay 2015). Thus, the clinical significance of the p.Leu5742Phe variant cannot be determined with certainty. References: Begay RL et al. Role of Titin Missense Variants in Dilated Cardiomyopathy. J Am Heart Assoc. 2015 Nov 13;4(11). Franaszczyk M et al. Titin Truncating Variants in Dilated Cardiomyopathy - Prevalence and Genotype-Phenotype Correlations. PLoS One. 2017 Jan 3;12(1):e0169007. Herman DS et al. Truncations of titin causing dilated cardiomyopathy. N Engl J Med. 2012 Feb 16;366(7):619-28. Lopes LR et al. Genetic complexity in hypertrophic cardiomyopathy revealed by high-throughput sequencing. J Med Genet. 2013 Apr;50(4):228-39. Linke WA and Hamdani N. Gigantic business: titin properties and function through thick and thin. Circ Res 2014; 114(6): 1052-1068.

Center for Advanced Laboratory Medicine, UC San Diego Health, University of California San Diego
Classification: Likely benign for Hypertrophic cardiomyopathy. Last evaluated: 2018-08-22. Review status: criteria provided, single submitter. Criteria: ACMG Guidelines, 2015. Collection method: clinical testing. Allele origin: germline. Affected: yes. Observed: 1 variant allele.

Illumina Laboratory Services, Illumina
Classification: Benign for Myopathy, myofibrillar, 9, with early respiratory failure. Last evaluated: 2018-01-13. Review status: criteria provided, single submitter. Criteria: ICSL Variant Classification Criteria 13 December 2019. Collection method: clinical testing. Allele origin: germline.
Comment: This variant was observed in the ICSL laboratory as part of a predisposition screen in an ostensibly healthy population. It had not been previously curated by ICSL or reported in the Human Gene Mutation Database (HGMD: prior to June 1st, 2018), and was therefore a candidate for classification through an automated scoring system. Utilizing variant allele frequency, disease prevalence and penetrance estimates, and inheritance mode, an automated score was calculated to assess if this variant is too frequent to cause the disease. Based on the score and internal cut-off values, a variant classified as benign is not then subjected to further curation. The score for this variant resulted in a classification of benign for this disease.

Illumina Laboratory Services, Illumina
Classification: Benign for Tibial muscular dystrophy. Last evaluated: 2018-01-13. Review status: criteria provided, single submitter. Criteria: ICSL Variant Classification Criteria 13 December 2019. Collection method: clinical testing. Allele origin: germline.
Comment: the same text as in the submission from Illumina Laboratory Services, Illumina above.

Illumina Laboratory Services, Illumina
Classification: Uncertain significance for Autosomal recessive limb-girdle muscular dystrophy type 2J. Last evaluated: 2018-01-13. Review status: criteria provided, single submitter. Criteria: ICSL Variant Classification Criteria 13 December 2019. Collection method: clinical testing. Allele origin: germline.

Illumina Laboratory Services, Illumina
Classification: Uncertain significance for Early-onset myopathy with fatal cardiomyopathy. Last evaluated: 2018-01-13. Review status: criteria provided, single submitter. Criteria: ICSL Variant Classification Criteria 13 December 2019. Collection method: clinical testing. Allele origin: germline.

Illumina Laboratory Services, Illumina
Classification: Uncertain significance for Dilated cardiomyopathy 1G. Last evaluated: 2018-01-13. Review status: criteria provided, single submitter. Criteria: ICSL Variant Classification Criteria 13 December 2019. Collection method: clinical testing. Allele origin: germline.

Labcorp Genetics (formerly Invitae), Labcorp
Classification: Uncertain significance for Dilated cardiomyopathy 1G; Autosomal recessive limb-girdle muscular dystrophy type 2J. Last evaluated: 2017-12-08. Review status: criteria provided, single submitter. Criteria: Invitae Variant Classification Sherloc (09022015). Collection method: clinical testing. Allele origin: germline.

Eurofins Ntd Llc (ga)
Classification: Uncertain significance. Last evaluated: 2015-10-13. Review status: criteria provided, single submitter. Criteria: EGL Classification Definitions 2015. Collection method: clinical testing. Allele origin: germline. Observed: 4 variant alleles, 4 heterozygotes.

Literature cited by the submitters: PubMed 28045975 (cited by 4 submitters); PubMed 23396983 (cited by 3 submitters).

NM_001267550.2(TTN):c.17224C>T (p.Leu5742Phe)

Genes: TTN (titin; minus strand), LOC126806431 (CDK7 strongly-dependent group 2 enhancer GRCh37_chr2:179595719-179596918; plus strand). Cytogenetic location: 2q31.2.
Variant type: single nucleotide variant.
Coding change: c.17224C>T on transcript NM_001267550.2 (MANE Select); coding-DNA position 17224, C replaced by T.
Protein change: p.Leu5742Phe; replaces leucine 5742 with phenylalanine.
Molecular consequence: missense variant. On other transcripts: intron variant (3).
Genome position (GRCh38, 1-based): chr2:178,731,542, G>A on the plus strand (C>T on the coding strand, the complement: TTN is on the minus strand). VCF-style: chr2-178731542-G-A. GRCh37 (hg19) VCF-style: chr2-179596269-G-A.
Other names: p.L5425F:CTC>TTC; p.Leu5425Phe; c.16273C>T, p.Leu5425Phe (NM_001256850.1); c.13492C>T, p.Leu4498Phe (NM_133378.4); c.13282+6540C>T (NM_003319.4); c.13858+6540C>T (NM_133437.4); c.13657+6540C>T (NM_133432.3); c.17224C>T (NM_001267550.1); short protein forms L5742F, L4498F, L5425F.
Identifiers: ClinVar variation 46625 (VCV000046625.47), dbSNP rs72648943, ClinGen allele CA138791.